The following is an entry in ClinVar:

NM_001844.5(COL2A1):c.1661C>T (p.Pro554Leu)

Gene: COL2A1 (collagen type II alpha 1 chain; minus strand). Cytogenetic location: 12q13.11.
Variant type: single nucleotide variant.
Coding change: c.1661C>T on transcript NM_001844.5 (MANE Select); coding-DNA position 1661, C replaced by T.
Protein change: p.Pro554Leu; replaces proline 554 with leucine.
Molecular consequence: missense variant.
Genome position (GRCh38, 1-based): chr12:47,985,747, G>A on the plus strand (C>T on the coding strand, the complement: COL2A1 is on the minus strand). VCF-style: chr12-47985747-G-A. GRCh37 (hg19) VCF-style: chr12-48379530-G-A.
Other names: c.1454C>T, p.Pro485Leu (NM_033150.3); short protein forms P485L, P554L.
Identifiers: ClinVar variation 1062852 (VCV001062852.11), dbSNP rs781636320, ClinGen allele CA6535429.

ClinVar aggregate classification (germline): Conflicting classifications of pathogenicity. Review status: criteria provided, conflicting classifications (1 of 4 stars). 3 submissions from 3 submitters: Uncertain significance (2); Likely benign (1). Last evaluated 2025-11-03.

Conditions:
COL2A1-related disorder. Also called: COL2A1-related condition; COL2A1-related disorders.

Allele frequency attached by ClinVar (database versions not stated): gnomAD exomes 0.00002 and 0.00001; TOPMed 0.00002; ExAC 0.00001; gnomAD 0.00001.
gnomAD v4.1: 13 of 1,613,878 alleles (0.00081%); highest among the groups gnomAD compares: Non-Finnish European, 0.0011%; no homozygotes.

Submissions (3):

Labcorp Genetics (formerly Invitae), Labcorp
Classification: Likely benign. Last evaluated: 2025-11-03. Review status: criteria provided, single submitter. Criteria: Invitae Variant Classification Sherloc (09022015). Collection method: clinical testing. Allele origin: germline.

PreventionGenetics, part of Exact Sciences
Classification: Uncertain significance for COL2A1-related condition. Last evaluated: 2025-06-20. Review status: criteria provided, single submitter. Criteria: ACMG Guidelines, 2015. Collection method: clinical testing. Allele origin: germline.
Comment: The COL2A1 c.1661C>T variant is predicted to result in the amino acid substitution p.Pro554Leu. To our knowledge, this variant has not been reported in the literature. This variant is reported in 0.0027% of alleles in individuals of European (Non-Finnish) descent in gnomAD. At this time, the clinical significance of this variant is uncertain due to the absence of conclusive functional and genetic evidence.

GeneDx
Classification: Uncertain significance. Last evaluated: 2019-10-07. Review status: criteria provided, single submitter. Criteria: GeneDx Variant Classification Process June 2021. Collection method: clinical testing. Allele origin: germline. Affected: yes.
Comment: Has not been previously published as pathogenic or benign to our knowledge; Not observed at a significant frequency in large population cohorts (Lek et al., 2016); In silico analysis, which includes protein predictors and evolutionary conservation, supports a deleterious effect; Occurs in the triple helical domain at the Y position in the canonical Gly-X-Y repeat; although this variant may have an effect on normal protein folding and function, missense substitution at the Y position is not a common mechanism of disease (Stenson et al., 2014)